The following is an entry in ClinVar:

ClinVar aggregate classification (germline): Uncertain significance (1 of 4 stars; one submission).

Submission:

Ambry Genetics
Classification: Uncertain significance. Last evaluated: 2022-10-24. Review status: criteria provided, single submitter. Criteria: Ambry Variant Classification Scheme 2023. Collection method: clinical testing. Allele origin: germline.
Comment: The p.M397I variant (also known as c.1191G>T), located in coding exon 9 of the FAM175A gene, results from a G to T substitution at nucleotide position 1191. The methionine at codon 397 is replaced by isoleucine, an amino acid with highly similar properties. This amino acid position is conserved. In addition, this alteration is predicted to be tolerated by in silico analysis. Since supporting evidence is limited at this time, the clinical significance of this alteration remains unclear.

NM_139076.3(ABRAXAS1):c.1191G>T (p.Met397Ile)

Gene: ABRAXAS1 (abraxas 1, BRCA1 A complex subunit; minus strand). Cytogenetic location: 4q21.23.
Variant type: single nucleotide variant.
Coding change: c.1191G>T on transcript NM_139076.3 (MANE Select); coding-DNA position 1191, G replaced by T.
Protein change: p.Met397Ile; replaces methionine 397 with isoleucine.
Molecular consequence: missense variant.
Genome position (GRCh38, 1-based): chr4:83,462,508, C>A on the plus strand (G>T on the coding strand, the complement: ABRAXAS1 is on the minus strand). VCF-style: chr4-83462508-C-A. GRCh37 (hg19) VCF-style: chr4-84383661-C-A.
Other names: c.864G>T, p.Met288Ile (NM_001345962.2); short protein forms M288I, M397I.
Identifiers: ClinVar variation 1800053 (VCV001800053.2), dbSNP rs1267149361, ClinGen allele CA357254923.